The following is an entry in ClinVar:

ClinVar aggregate classification (germline): Uncertain significance (1 of 4 stars; one submission).

Conditions:
Inborn genetic diseases. Identifiers: MedGen C0950123, MeSH D030342.

Submission:

Ambry Genetics
Classification: Uncertain significance for Inborn genetic diseases. Last evaluated: 2025-10-22. Review status: criteria provided, single submitter. Criteria: Ambry Variant Classification Scheme 2023. Collection method: clinical testing. Allele origin: germline.
Comment: The p.A1419G variant (also known as c.4256C>G), located in coding exon 42 of the FANCA gene, results from a C to G substitution at nucleotide position 4256. The alanine at codon 1419 is replaced by glycine, an amino acid with similar properties. This amino acid position is conserved. In addition, this alteration is predicted to be tolerated by in silico analysis. Based on the available evidence, the clinical significance of this variant remains unclear.

NM_000135.4(FANCA):c.4256C>G (p.Ala1419Gly)

Genes: FANCA (FA complementation group A; minus strand), ZNF276 (zinc finger protein 276; plus strand). Cytogenetic location: 16q24.3.
Variant type: single nucleotide variant.
Coding change: c.4256C>G on transcript NM_000135.4 (MANE Select); coding-DNA position 4256, C replaced by G.
Protein change: p.Ala1419Gly; replaces alanine 1419 with glycine.
Molecular consequence: missense variant. On other transcripts: synonymous variant (1), 3 prime UTR variant (2), non-coding transcript variant (4).
Genome position (GRCh38, 1-based): chr16:89,738,886, G>C on the plus strand (C>G on the coding strand, the complement: FANCA is on the minus strand). VCF-style: chr16-89738886-G-C. GRCh37 (hg19) VCF-style: chr16-89805294-G-C.
Other names: c.4260C>G, p.Gly1420= (NM_001286167.3); c.*640G>C (NM_001113525.2, NM_152287.4); short protein forms A1419G.
Identifiers: ClinVar variation 4619219 (VCV004619219.1).